The following is an entry in ClinVar:

NM_201384.3(PLEC):c.6299C>A (p.Ala2100Glu)

Gene: PLEC (plectin; minus strand). Cytogenetic location: 8q24.3.
Variant type: single nucleotide variant.
Coding change: c.6299C>A on transcript NM_201384.3 (MANE Select); coding-DNA position 6299, C replaced by A.
Protein change: p.Ala2100Glu; replaces alanine 2100 with glutamic acid.
Molecular consequence: missense variant.
Genome position (GRCh38, 1-based): chr8:143,923,630, G>T on the plus strand (C>A on the coding strand, the complement: PLEC is on the minus strand). VCF-style: chr8-143923630-G-T. GRCh37 (hg19) VCF-style: chr8-144997798-G-T.
Other names: c.6380C>A, p.Ala2127Glu (NM_000445.5); c.6257C>A, p.Ala2086Glu (NM_201378.4); c.6233C>A, p.Ala2078Glu (NM_201379.3); c.6710C>A, p.Ala2237Glu (NM_201380.4); c.6203C>A, p.Ala2068Glu (NM_201381.3); c.6299C>A, p.Ala2100Glu (NM_201382.4); c.6311C>A, p.Ala2104Glu (NM_201383.3); short protein forms A2068E, A2078E, A2086E, A2100E, A2104E, A2127E, A2237E.
Identifiers: ClinVar variation 1020774 (VCV001020774.5), dbSNP rs782711037, ClinGen allele CA372535760.

ClinVar aggregate classification (germline): Uncertain significance (1 of 4 stars; one submission).

Conditions:
Epidermolysis bullosa simplex with nail dystrophy (EBS5D). Identifiers: MedGen C4225309, MONDO:0014661, OMIM 616487.
Epidermolysis bullosa simplex 5B, with muscular dystrophy (EBS5B). Also called: EPIDERMOLYSIS BULLOSA SIMPLEX AND LIMB-GIRDLE MUSCULAR DYSTROPHY; Epidermolysis bullosa simplex with muscular dystrophy. Identifiers: Orphanet 257, MedGen C2931072, MONDO:0009181, OMIM 226670.
Epidermolysis bullosa simplex, Ogna type (EBS5A). Also called: Pidermolysis bullosa simplex 5A, Ogna type; EPIDERMOLYSIS BULLOSA SIMPLEX 5A, OGNA TYPE. Identifiers: Orphanet 79401, MedGen C0432317, MONDO:0007555, OMIM 131950.
Epidermolysis bullosa simplex 5C, with pyloric atresia (EBS5C). Also called: PLEC-Related Epidermolysis Bullosa with Pyloric Atresia; Epidermolysis bullosa simplex with pyloric atresia; PLEC1-Related Epidermolysis Bullosa with Pyloric Atresia. Identifiers: Orphanet 158684, MedGen C2677349, MONDO:0012807, OMIM 612138.
Autosomal recessive limb-girdle muscular dystrophy type 2Q (LGMDR17). Also called: MUSCULAR DYSTROPHY, LIMB-GIRDLE, AUTOSOMAL RECESSIVE 17. Identifiers: Orphanet 254361, MedGen C3150989, MONDO:0013390, OMIM 613723.

Submission:

Labcorp Genetics (formerly Invitae), Labcorp
Classification: Uncertain significance for Autosomal recessive limb-girdle muscular dystrophy type 2Q; Epidermolysis bullosa simplex, Ogna type; Epidermolysis bullosa simplex with nail dystrophy; Epidermolysis bullosa simplex 5C, with pyloric atresia; Epidermolysis bullosa simplex 5B, with muscular dystrophy. Last evaluated: 2024-10-23. Review status: criteria provided, single submitter. Criteria: Invitae Variant Classification Sherloc (09022015). Collection method: clinical testing. Allele origin: germline.
Comment: This sequence change replaces alanine, which is neutral and non-polar, with glutamic acid, which is acidic and polar, at codon 2127 of the PLEC protein (p.Ala2127Glu). This variant is not present in population databases (gnomAD no frequency). This variant has not been reported in the literature in individuals affected with PLEC-related conditions. ClinVar contains an entry for this variant (Variation ID: 1020774). An algorithm developed to predict the effect of missense changes on protein structure and function (PolyPhen-2) suggests that this variant is likely to be tolerated. In summary, the available evidence is currently insufficient to determine the role of this variant in disease. Therefore, it has been classified as a Variant of Uncertain Significance.